The following is an entry in ClinVar:

ClinVar aggregate classification (germline): Conflicting classifications of pathogenicity. Review status: criteria provided, conflicting classifications (1 of 4 stars). 5 submissions from 5 submitters: Uncertain significance (4); Likely benign (1). Last evaluated 2026-04-05.

Conditions:
LIPA-related disorder. Also called: LIPA-related condition; LIPA-related disorders.
Wolman disease (WOLD). Also called: Wolman disease, CESD; Acid cholesteryl ester hydrolase deficiency, Wolman type; Acid lipase disease; Wolman disease with hypolipoproteinemia and acanthocytosis; LYSOSOMAL ACID LIPASE DEFICIENCY, ACUTE INFANTILE; LYSOSOMAL ACID LIPASE DEFICIENCY, COMPLETE. Identifiers: Orphanet 75233, MedGen C0043208, MONDO:0019148, OMIM 620151.
Lysosomal acid lipase deficiency. Also called: Acid cholesteryl ester hydrolase deficiency, type 2. Identifiers: Orphanet 275761, MedGen C5574740, MONDO:0800449, MONDO:0010204.

Allele frequency attached by ClinVar (database versions not stated): ExAC 0.00007; gnomAD exomes 0.00008 and 0.00012; gnomAD 0.00009 and 0.00010; TOPMed 0.00017; 1000 Genomes Project 0.00060; 1000 Genomes Project 30x 0.00078.
gnomAD v4.1: 131 of 1,614,144 alleles (0.0081%); highest among the groups gnomAD compares: Admixed American, 0.063%; no homozygotes.

Submissions (5):

PreventionGenetics, part of Exact Sciences
Classification: Uncertain significance for LIPA-related condition. Last evaluated: 2026-04-05. Review status: criteria provided, single submitter. Criteria: ACMG Guidelines, 2015. Collection method: clinical testing. Allele origin: germline.
Comment: The LIPA c.380G>A variant is predicted to result in the amino acid substitution p.Arg127Gln. This variant was reported in the heterozygous state in an individual with hypercholesterolemia (Vinje et al 2018. PubMed ID: 29196158), in an individual with dyslipidemia (Dron et al 2020. PubMed ID: 32041611), and in an individual with acute myocardial infarction (Pan-Lizcano et al 2022. PubMed ID: 36555767). This variant is reported in 0.059% of alleles in individuals of Latino descent in gnomAD. At this time, the clinical significance of this variant is uncertain due to the absence of conclusive functional and genetic evidence.

Labcorp Genetics (formerly Invitae), Labcorp
Classification: Likely benign for Wolman disease. Last evaluated: 2026-01-21. Review status: criteria provided, single submitter. Criteria: Invitae Variant Classification Sherloc (09022015). Collection method: clinical testing. Allele origin: germline.

Fulgent Genetics
Classification: Uncertain significance for Cholesteryl ester storage disease. Last evaluated: 2022-01-13. Review status: criteria provided, single submitter. Criteria: ACMG Guidelines, 2015. Collection method: clinical testing. Allele origin: unknown.

Eurofins Ntd Llc (ga)
Classification: Uncertain significance. Last evaluated: 2018-05-17. Review status: criteria provided, single submitter. Criteria: EGL ClinVar v180209 classification definitions. Collection method: clinical testing. Allele origin: germline. Observed: 2 variant alleles, 2 heterozygotes.

Illumina Laboratory Services, Illumina
Classification: Uncertain significance for Cholesteryl ester storage disease. Last evaluated: 2018-01-13. Review status: criteria provided, single submitter. Criteria: ICSL Variant Classification Criteria 13 December 2019. Collection method: clinical testing. Allele origin: germline.

NM_000235.4(LIPA):c.380G>A (p.Arg127Gln)

Gene: LIPA (lipase A, lysosomal acid type; minus strand). Cytogenetic location: 10q23.31.
Variant type: single nucleotide variant.
Coding change: c.380G>A on transcript NM_000235.4 (MANE Select); coding-DNA position 380, G replaced by A.
Protein change: p.Arg127Gln; replaces arginine 127 with glutamine.
Molecular consequence: missense variant.
Genome position (GRCh38, 1-based): chr10:89,228,248, C>T on the plus strand (G>A on the coding strand, the complement: LIPA is on the minus strand). VCF-style: chr10-89228248-C-T. GRCh37 (hg19) VCF-style: chr10-90988005-C-T.
Other names: c.380G>A, p.Arg127Gln (NM_001127605.3); c.32G>A, p.Arg11Gln (NM_001288979.2); c.380G>A (NM_000235.3); short protein forms R127Q, R11Q.
Identifiers: ClinVar variation 301582 (VCV000301582.17), dbSNP rs544080483, ClinGen allele CA5593751.
Genomic context (GRCh38, chr10:89,228,248, plus strand): 5'-ATTCATATATACCTGAAAGCCCAGAATTCATCCTGAGAAACTGAGAGTGTCTTATGTTTC[C>T]GAGACCAGGTATTTCCTCTGCTGTTGCCCATCCACACGTCAAAACCAGCATCAGCAAGAA-3'
Protein context (NP_000226.2, residues 117-137): MGNSRGNTWS[Arg127Gln]KHKTLSVSQD